The following is an entry in ClinVar:

NM_014585.6(SLC40A1):c.1647_1655del (p.Lys549_Ala552delinsAsn)

Gene: SLC40A1 (solute carrier family 40 member 1; minus strand). Cytogenetic location: 2q32.2.
Variant type: Deletion.
Coding change: c.1647_1655del on transcript NM_014585.6 (MANE Select); coding-DNA positions 1647 to 1655, 9 bases deleted (GCTCTTTGC; older notation c.1647_1655delGCTCTTTGC).
Protein change: p.Lys549_Ala552delinsAsn.
Molecular consequence: inframe indel.
Genome position (GRCh38, 1-based): chr2:189,561,939-189,561,947, GCAAAGAGC deleted on the plus strand (GCTCTTTGC on the coding strand, the reverse complement: SLC40A1 is on the minus strand). VCF-style (leftmost placement, unchanged base first): chr2-189561938-AGCAAAGAGC-A. GRCh37 (hg19) VCF-style: chr2-190426664-AGCAAAGAGC-A.
Other names: c.1647_1655del9 (NM_014585.5).
Identifiers: ClinVar variation 3061254 (VCV003061254.2), dbSNP rs2468764048, ClinGen allele CA2740096376.
Genomic context (GRCh38, chr2:189,561,938, plus strand): 5'-TCAAACAACAGATGTATTTGCTTGATTTTCCTTCCTAACTTCTTTTGCATCAGGACCGCA[AGCAAAGAGC>A]TTGTTTCCCAGAGTATTTTGGGCAAATCGGAAATACATAATGTGGCCCATTGCCACAAAG-3'

ClinVar aggregate classification (germline): Uncertain significance (0 of 4 stars; one submission).

Conditions:
SLC40A1-related disorder. Also called: SLC40A1-related condition.

Submission:

PreventionGenetics, part of Exact Sciences
Classification: Uncertain significance for SLC40A1-related condition. Last evaluated: 2024-02-28. Review status: no assertion criteria provided. Collection method: clinical testing. Allele origin: germline.
Comment: The SLC40A1 c.1647_1655del9 variant is predicted to result in an in-frame deletion (p.Lys549_Ala552delinsAsn). To our knowledge, this variant has not been reported in the literature or in a large population database, indicating this variant is rare. At this time, the clinical significance of this variant is uncertain due to the absence of conclusive functional and genetic evidence.